The following is an entry in ClinVar:

NM_000179.3(MSH6):c.3513_3514dup (p.Arg1172fs)

Gene: MSH6 (mutS homolog 6; plus strand). Cytogenetic location: 2p16.3.
Variant type: Duplication.
Coding change: c.3513_3514dup on transcript NM_000179.3 (MANE Select); coding-DNA positions 3513 to 3514, 2 bases duplicated (TA; older notation c.3513_3514dupTA).
Protein change: p.Arg1172fs; shifts the reading frame from arginine 1172.
Molecular consequence: frameshift variant.
Genome position (GRCh38, 1-based): chr2:47,804,984-47,804,985, TA duplicated; duplicating any 2 consecutive bases within chr2:47,804,983-47,804,985 gives the same sequence; the c. name uses the placement nearest the transcript's 3' end. VCF-style (leftmost placement, unchanged base first): chr2-47804982-G-GAT. GRCh37 (hg19) VCF-style: chr2-48032121-G-GAT.
Other names: c.3123_3124dup, p.Arg1042fs (NM_001281492.2); c.2607_2608dup, p.Arg870fs (NM_001281493.2, NM_001281494.2); c.3609_3610dup, p.Arg1204Ilefs (NM_001406795.1, NM_001406802.1); c.3513_3514dup, p.Arg1172Ilefs (NM_001406796.1, NM_001406800.1, NM_001406808.1 and 1 more transcripts); c.3216_3217dup, p.Arg1073Ilefs (NM_001406797.1, NM_001406801.1, NM_001406805.1 and 10 more transcripts); c.3339_3340dup, p.Arg1114Ilefs (NM_001406798.1); c.2988_2989dup, p.Arg997Ilefs (NM_001406799.1, NM_001406806.1, NM_001406807.1); c.2649_2650dup, p.Arg884Ilefs (NM_001406803.1); and 9 more; short protein forms R870fs, R1042fs, R1172fs.
Identifiers: ClinVar variation 1732178 (VCV001732178.2), dbSNP rs63750194, ClinGen allele CA2580067181.

ClinVar aggregate classification (germline): Pathogenic (1 of 4 stars; one submission).

Conditions:
Hereditary cancer-predisposing syndrome. Also called: Neoplastic Syndromes, Hereditary; Tumor predisposition; Hereditary Cancer Syndrome; Hereditary neoplastic syndrome. Identifiers: Orphanet 140162, MedGen C0027672, MeSH D009386, MONDO:0015356.

Submission:

Ambry Genetics
Classification: Pathogenic for Hereditary cancer-predisposing syndrome. Last evaluated: 2020-02-24. Review status: criteria provided, single submitter. Criteria: Ambry Variant Classification Scheme 2023. Collection method: clinical testing. Allele origin: germline.
Comment: The c.3513_3514dupTA pathogenic mutation, located in coding exon 6 of the MSH6 gene, results from a duplication of TA at nucleotide position 3513, causing a translational frameshift with a predicted alternate stop codon (p.R1172Ifs*13). This alteration is expected to result in loss of function by premature protein truncation or nonsense-mediated mRNA decay. As such, this alteration is interpreted as a disease-causing mutation.